The following is an entry in ClinVar:

NM_030962.4(SBF2):c.3866G>A (p.Arg1289Gln)

Gene: SBF2 (SET binding factor 2; minus strand). Cytogenetic location: 11p15.4.
Variant type: single nucleotide variant.
Coding change: c.3866G>A on transcript NM_030962.4 (MANE Select); coding-DNA position 3866, G replaced by A.
Protein change: p.Arg1289Gln; replaces arginine 1289 with glutamine.
Molecular consequence: missense variant.
Genome position (GRCh38, 1-based): chr11:9,816,952, C>T on the plus strand (G>A on the coding strand, the complement: SBF2 is on the minus strand). VCF-style: chr11-9816952-C-T. GRCh37 (hg19) VCF-style: chr11-9838499-C-T.
Other names: c.3962G>A, p.Arg1321Gln (NM_001386339.1); c.3737G>A, p.Arg1246Gln (NM_001386342.1); short protein forms R1289Q, R1246Q, R1321Q.
Identifiers: ClinVar variation 546658 (VCV000546658.20), dbSNP rs757836523, ClinGen allele CA5881119.
Genomic context (GRCh38, chr11:9,816,952, plus strand): 5'-AGCTGGTTTTGTAGGTAGCTGCTGTTACTGAAGGAGGCCGAGTGATCCTTGCCTGCCAGC[C>T]GGGCGCCAACATCAATGAAGGATGTTGGAGAGCTGATCAAGCGAGTGCTAGAGCGAAGAC-3'
Protein context (NP_112224.1, residues 1279-1299): SPTSFIDVGA[Arg1289Gln]LAGKDHSASF

ClinVar aggregate classification (germline): Uncertain significance. Review status: criteria provided, multiple submitters, no conflicts (2 of 4 stars). 7 submissions from 7 submitters: Uncertain significance (6). 1 of the submissions does not count toward it. Last evaluated 2025-10-07.

Conditions:
Charcot-Marie-Tooth disease. Also called: Charcot-Marie-Tooth Hereditary Neuropathy; Charcot-Marie-Tooth Neuropathy. Identifiers: Orphanet 166, MedGen C0007959, MONDO:0015626.
Tip-toe gait. Also called: Toe walking. Identifiers: MedGen C0427144, HP:0030051.
Inborn genetic diseases. Identifiers: MedGen C0950123, MeSH D030342.
Charcot-Marie-Tooth disease type 4. Also called: Charcot-Marie-Tooth disease, type IV; Charcot-Marie-Tooth, Type 4. Identifiers: Orphanet 64749, MedGen C4082197, MONDO:0018995.

Allele frequency attached by ClinVar (database versions not stated): TOPMed 0.00001; gnomAD exomes 0.00007; ExAC 0.00010.
gnomAD v4.1: 71 of 1,614,002 alleles (0.0044%); highest among the groups gnomAD compares: Middle Eastern, 0.016%; no homozygotes.

Submissions (7):

Labcorp Genetics (formerly Invitae), Labcorp
Classification: Uncertain significance for Charcot-Marie-Tooth disease type 4. Last evaluated: 2025-10-07. Review status: criteria provided, single submitter. Criteria: Invitae Variant Classification Sherloc (09022015). Collection method: clinical testing. Allele origin: germline.
Comment: This sequence change replaces arginine, which is basic and polar, with glutamine, which is neutral and polar, at codon 1289 of the SBF2 protein (p.Arg1289Gln). This variant is present in population databases (rs757836523, gnomAD 0.01%). This missense change has been observed in individual(s) with clinical features of Charcot-Marie-Tooth disease (PMID: 32376792). ClinVar contains an entry for this variant (Variation ID: 546658). Invitae Evidence Modeling of protein sequence and biophysical properties (such as structural, functional, and spatial information, amino acid conservation, physicochemical variation, residue mobility, and thermodynamic stability) indicates that this missense variant is not expected to disrupt SBF2 protein function with a negative predictive value of 80%. In summary, the available evidence is currently insufficient to determine the role of this variant in disease. Therefore, it has been classified as a Variant of Uncertain Significance.

Blueprint Genetics
Classification: Uncertain significance. Last evaluated: 2024-09-10. Review status: criteria provided, single submitter. Criteria: ACMG Guidelines, 2015. Collection method: clinical testing. Allele origin: germline.

Clinical Genetics Laboratory, Skane University Hospital Lund
Classification: Uncertain significance. Last evaluated: 2022-05-27. Review status: criteria provided, single submitter. Criteria: ACMG Guidelines, 2015. Collection method: clinical testing. Allele origin: germline. Affected: yes.

Ambry Genetics
Classification: Uncertain significance for Inborn genetic diseases. Last evaluated: 2020-03-02. Review status: criteria provided, single submitter. Criteria: Ambry Variant Classification Scheme 2023. Collection method: clinical testing. Allele origin: germline.
Comment: The p.R1289Q variant (also known as c.3866G>A), located in coding exon 29 of the SBF2 gene, results from a G to A substitution at nucleotide position 3866. The arginine at codon 1289 is replaced by glutamine, an amino acid with highly similar properties. This amino acid position is highly conserved in available vertebrate species. In addition, the in silico prediction for this alteration is inconclusive. Since supporting evidence is limited at this time, the clinical significance of this alteration remains unclear.

CeGaT Center for Human Genetics Tuebingen
Classification: Uncertain significance. Last evaluated: 2018-02-28. Review status: criteria provided, single submitter. Criteria: Praxis fuer Humangenetik Tuebingen - Variant Classification Criteria. Collection method: clinical testing. Allele origin: germline. Affected: yes. Observed: 1 variant allele.

Molecular Genetics Laboratory, London Health Sciences Centre
Classification: Uncertain significance for Charcot-Marie-Tooth disease. Review status: criteria provided, single submitter. Criteria: ACMG Guidelines, 2015. Collection method: clinical testing. Allele origin: germline. Affected: yes.

Practice for Gait Abnormalities, David Pomarino, Competency Network Toe Walking C/o Practice Pomarino
Classification: Likely pathogenic for Tip-toe gait. Review status: no assertion criteria provided. Collection method: clinical testing. Allele origin: germline. Affected: yes. Not counted in ClinVar's aggregate classification.
Comment: Hereditary motor sensory neuropathy (HMSN), also known as Charcot-Marie-Tooth Disease (CMT), is the most commonly inherited peripheral polyneuropathy. It constitutes a group of inherited, progressive, motor and sensory peripheral nerve disorders with properties of demyelination, axonal degeneration, or both. It is classified by clinical characteristics, modes of inheritance, electrophysiologic features, metabolic defects, and specific gene markers. Our patients all walk on tiptoe, so they show similar symptoms. When we genetically test them with our toe walking panel, we find that around 90 per cent of them have a genetic variant that explains their toe walking. These can be assigned, for example, to the area of myopathies (such as variants of the COL6A3 gene), the area of hereditary neuropathies (such as variants of the KMT2C gene) or the area of metabolic diseases (such as variants of the PYGM gene). In a smaller group of patients with almost identical symptoms, no abnormality is found in the genes of our panel, but spastic paraplegia can be detected. In another small group of our toe walkers, no abnormalities can be detected in the genes analysed in our toe walking panel, nor do they suffer from spastic paraplegia, as is also the case with healthy children. In contrast to these, however, they show a tiptoe gait. These patients suffer from infantile cerebral palsy, in which toe walking can also be observed.

Literature cited by the submitters: PubMed 32376792 (cited by Labcorp Genetics (formerly Invitae), Labcorp); PubMed 37091313 (cited by Practice for Gait Abnormalities, David Pomarino, Competency Network Toe Walking C/o Practice Pomarino).